The following is an entry in ClinVar:

ClinVar aggregate classification (germline): Uncertain significance (1 of 4 stars; one submission).

Submission:

GeneDx
Classification: Uncertain significance. Last evaluated: 2024-04-24. Review status: criteria provided, single submitter. Criteria: GeneDx Variant Classification Process June 2021. Collection method: clinical testing. Allele origin: germline. Affected: yes.
Comment: Not observed at significant frequency in large population cohorts (gnomAD); In silico analysis indicates that this missense variant does not alter protein structure/function; Has not been previously published as pathogenic or benign to our knowledge

NM_020922.5(WNK3):c.3854G>A (p.Ser1285Asn)

Gene: WNK3 (WNK lysine deficient protein kinase 3; minus strand). Cytogenetic location: Xp11.22.
Variant type: single nucleotide variant.
Coding change: c.3854G>A on transcript NM_020922.5 (MANE Select); coding-DNA position 3854, G replaced by A.
Protein change: p.Ser1285Asn; replaces serine 1285 with asparagine.
Molecular consequence: missense variant. On other transcripts: intron variant (2).
Genome position (GRCh38, 1-based): chrX:54,238,897, C>T on the plus strand (G>A on the coding strand, the complement: WNK3 is on the minus strand). VCF-style: chrX-54238897-C-T. GRCh37 (hg19) VCF-style: chrX-54265330-C-T.
Other names: c.3742+112G>A (NM_001395166.1, NM_001002838.4); short protein forms S1285N.
Identifiers: ClinVar variation 3373094 (VCV003373094.1).